The following is an entry in ClinVar:

NM_000533.5(PLP1):c.674T>C (p.Leu225Pro)

Genes: PLP1 (proteolipid protein 1; plus strand), RAB9B (RAB9B, member RAS oncogene family; minus strand). Cytogenetic location: Xq22.2.
Variant type: single nucleotide variant.
Coding change: c.674T>C on transcript NM_000533.5 (MANE Select); coding-DNA position 674, T replaced by C.
Protein change: p.Leu225Pro; replaces leucine 225 with proline.
Molecular consequence: missense variant.
Genome position (GRCh38, 1-based): chrX:103,788,488, T>C. VCF-style: chrX-103788488-T-C. GRCh37 (hg19) VCF-style: chrX-103043417-T-C.
Other names: c.674T>C, p.Leu225Pro (NM_001128834.3); c.509T>C, p.Leu170Pro (NM_001305004.1); c.569T>C, p.Leu190Pro (NM_199478.3); c.674T>C (NM_000533.3); short protein forms L190P, L225P, L170P.
Identifiers: ClinVar variation 2138678 (VCV002138678.6), dbSNP rs2522318249, ClinGen allele CA414104379.
Genomic context (GRCh38, chrX:103,788,488, plus strand): 5'-CTTACTTAGGTGTTCTCCCATGGAATGCTTTCCCTGGCAAGGTTTGTGGCTCCAACCTTC[T>C]GTCCATCTGCAAAACAGCTGAGGTGAGTGGGTTATTTGGGTTATTTTACAAGGGAGTAGC-3'
Protein context (NP_000524.3, residues 215-235): FPGKVCGSNL[Leu225Pro]SICKTAEFQM

ClinVar aggregate classification (germline): Conflicting classifications of pathogenicity. Review status: criteria provided, conflicting classifications (1 of 4 stars). 3 submissions from 3 submitters: Likely pathogenic (1); Uncertain significance (2). Last evaluated 2025-12-09.

Conditions:
Pelizaeus-Merzbacher disease. Also called: Sudanophilic leukodystrophy; LEUKODYSTROPHY, HYPOMYELINATING, 1; Pelizeaus-Merzbacher spectrum disorder; Pelizaeus-Merzbacher spectrum disorder; Pelizaeus-Merzbacher Disease (PMD). Identifiers: Orphanet 702, MedGen C0205711, MONDO:0010714, OMIM 312080, HP:0003269.
Hereditary spastic paraplegia 2 (SPG2). Also called: SPASTIC PARAPLEGIA 2, X-LINKED; Spastic Paraplegia 2 (SPG2). Identifiers: Orphanet 99015, MedGen C0751604, MONDO:0010733, OMIM 312920.

Submissions (3):

3billion
Classification: Uncertain significance for Pelizaeus-Merzbacher disease. Last evaluated: 2025-12-09. Review status: criteria provided, single submitter. Criteria: ACMG Guidelines, 2015. Collection method: clinical testing. Allele origin: germline. Affected: yes.
Comment: The variant is not observed in the gnomAD v4.1.0 dataset. Predicted Consequence/Location: Missense variant In silico tool predictions suggest damaging effect of the variant on gene or gene product [REVEL: 0.76 (>=0.6, sensitivity 0.68 and specificity 0.92); 3Cnet: 0.79 (> 0.75, sensitivity 0.96 and precision 0.92)]. The same nucleotide change resulting in the same amino acid change has been previously reported to be associated with PLP1-related disorder (ClinVar ID: VCV002138678 /PMID: 15712223). However, the evidence of pathogenicity is insufficient at this time. Therefore, this variant is classified as VUS according to the recommendation of ACMG/AMP guideline.

GeneDx
Classification: Likely pathogenic. Last evaluated: 2024-05-07. Review status: criteria provided, single submitter. Criteria: GeneDx Variant Classification Process June 2021. Collection method: clinical testing. Allele origin: germline. Affected: yes.
Comment: Missense variants in this gene are a common cause of disease and they are underrepresented in the general population; In silico analysis supports that this missense variant has a deleterious effect on protein structure/function; Not observed at significant frequency in large population cohorts (gnomAD); This variant is associated with the following publications: (PMID: 15712223)

Labcorp Genetics (formerly Invitae), Labcorp
Classification: Uncertain significance for Hereditary spastic paraplegia 2. Last evaluated: 2022-07-22. Review status: criteria provided, single submitter. Criteria: Invitae Variant Classification Sherloc (09022015). Collection method: clinical testing. Allele origin: germline.
Comment: In summary, the available evidence is currently insufficient to determine the role of this variant in disease. Therefore, it has been classified as a Variant of Uncertain Significance. Algorithms developed to predict the effect of missense changes on protein structure and function are either unavailable or do not agree on the potential impact of this missense change (SIFT: "Not Available"; PolyPhen-2: "Probably Damaging"; Align-GVGD: "Not Available"). This missense change has been observed in individual(s) with Pelizaeus-Merzbacher disease (PMID: 15712223). This variant is not present in population databases (gnomAD no frequency). This sequence change replaces leucine, which is neutral and non-polar, with proline, which is neutral and non-polar, at codon 225 of the PLP1 protein (p.Leu225Pro).

Literature cited by the submitters: PubMed 15712223 (cited by 3billion and Labcorp Genetics (formerly Invitae), Labcorp).